The following is an entry in ClinVar:

NM_032620.4(GTPBP3):c.974+6C>T

Gene: GTPBP3 (GTP binding protein 3, mitochondrial; plus strand). Cytogenetic location: 19p13.11.
Variant type: single nucleotide variant.
Coding change: c.974+6C>T on transcript NM_032620.4 (MANE Select); 6 bases into the intron after coding-DNA position 974, C replaced by T.
Molecular consequence: intron variant.
Genome position (GRCh38, 1-based): chr19:17,339,605, C>T. VCF-style: chr19-17339605-C-T. GRCh37 (hg19) VCF-style: chr19-17450414-C-T.
Other names: c.1040+6C>T (NM_001195422.1); c.1070+6C>T (NM_133644.4); c.974+6C>T (NM_001128855.3).
Identifiers: ClinVar variation 1519549 (VCV001519549.3), dbSNP rs767496297, ClinGen allele CA9293587.

ClinVar aggregate classification (germline): Uncertain significance (1 of 4 stars; one submission).

Allele frequency attached by ClinVar (database versions not stated): ExAC 0.00001; gnomAD 0.00001; gnomAD exomes 0.00001; TOPMed 0.00003.
gnomAD v4.1: 20 of 1,596,130 alleles (0.0013%); highest among the groups gnomAD compares: Admixed American, 0.0034%; no homozygotes.

Submission:

Labcorp Genetics (formerly Invitae), Labcorp
Classification: Uncertain significance. Last evaluated: 2022-02-10. Review status: criteria provided, single submitter. Criteria: Invitae Variant Classification Sherloc (09022015). Collection method: clinical testing. Allele origin: germline.
Comment: This sequence change falls in intron 6 of the GTPBP3 gene. It does not directly change the encoded amino acid sequence of the GTPBP3 protein. It affects a nucleotide within the consensus splice site. The frequency data for this variant in the population databases is considered unreliable, as metrics indicate poor data quality at this position in the gnomAD database. This variant has not been reported in the literature in individuals affected with GTPBP3-related conditions. Variants that disrupt the consensus splice site are a relatively common cause of aberrant splicing (PMID: 17576681, 9536098). Algorithms developed to predict the effect of sequence changes on RNA splicing suggest that this variant is not likely to affect RNA splicing. In summary, the available evidence is currently insufficient to determine the role of this variant in disease. Therefore, it has been classified as a Variant of Uncertain Significance.

Literature cited by the submitters: PubMed 17576681; PubMed 9536098.